The following is an entry in ClinVar:

ClinVar aggregate classification (germline): Uncertain significance. Review status: criteria provided, multiple submitters, no conflicts (2 of 4 stars). 3 submissions from 3 submitters: Uncertain significance (3). Last evaluated 2025-11-20.

Conditions:
Short-rib thoracic dysplasia 13 with or without polydactyly (SRTD13). Identifiers: Orphanet 474, MedGen C4225378, MONDO:0014577, OMIM 616300.
Inborn genetic diseases. Identifiers: MedGen C0950123, MeSH D030342.

Allele frequency attached by ClinVar (database versions not stated): gnomAD 0.00001; TOPMed 0.00001.
gnomAD v4.1: 5 of 1,613,104 alleles (0.00031%); highest among the groups gnomAD compares: Non-Finnish European, 0.00042%; no homozygotes.

Submissions (3):

Ambry Genetics
Classification: Uncertain significance for Inborn genetic diseases. Last evaluated: 2025-11-20. Review status: criteria provided, single submitter. Criteria: Ambry Variant Classification Scheme 2023. Collection method: clinical testing. Allele origin: germline.

Labcorp Genetics (formerly Invitae), Labcorp
Classification: Uncertain significance for Short-rib thoracic dysplasia 13 with or without polydactyly. Last evaluated: 2022-10-17. Review status: criteria provided, single submitter. Criteria: Invitae Variant Classification Sherloc (09022015). Collection method: clinical testing. Allele origin: germline.
Comment: In summary, the available evidence is currently insufficient to determine the role of this variant in disease. Therefore, it has been classified as a Variant of Uncertain Significance. Advanced modeling of protein sequence and biophysical properties (such as structural, functional, and spatial information, amino acid conservation, physicochemical variation, residue mobility, and thermodynamic stability) performed at Invitae indicates that this missense variant is expected to disrupt CEP120 protein function. ClinVar contains an entry for this variant (Variation ID: 1438443). This variant has not been reported in the literature in individuals affected with CEP120-related conditions. This variant is not present in population databases (gnomAD no frequency). This sequence change replaces glutamine, which is neutral and polar, with histidine, which is basic and polar, at codon 873 of the CEP120 protein (p.Gln873His).

Blueprint Genetics
Classification: Uncertain significance. Last evaluated: 2022-04-20. Review status: criteria provided, single submitter. Criteria: ACMG Guidelines, 2015. Collection method: clinical testing. Allele origin: germline.

NM_001375405.1(CEP120):c.2619G>C (p.Gln873His)

Gene: CEP120 (centrosomal protein 120; minus strand). Cytogenetic location: 5q23.2.
Variant type: single nucleotide variant.
Coding change: c.2619G>C on transcript NM_001375405.1 (MANE Select); coding-DNA position 2619, G replaced by C.
Protein change: p.Gln873His; replaces glutamine 873 with histidine.
Molecular consequence: missense variant. On other transcripts: non-coding transcript variant (1).
Genome position (GRCh38, 1-based): chr5:123,350,051, C>G on the plus strand (G>C on the coding strand, the complement: CEP120 is on the minus strand). VCF-style: chr5-123350051-C-G. GRCh37 (hg19) VCF-style: chr5-122685745-C-G.
Other names: c.2619G>C (NM_153223.3); c.2541G>C, p.Gln847His (NM_001166226.2); c.2484G>C, p.Gln828His (NM_001375406.1); c.2619G>C, p.Gln873His (NM_001375407.1, NM_153223.4); c.2046G>C, p.Gln682His (NM_001375408.1, NM_001375409.1); short protein forms Q847H, Q873H, Q828H, Q682H.
Identifiers: ClinVar variation 1438443 (VCV001438443.8), dbSNP rs963767744, ClinGen allele CA125992056.